The following is an entry in ClinVar:

ClinVar aggregate classification (germline): Likely benign. Review status: criteria provided, multiple submitters, no conflicts (2 of 4 stars). 3 submissions from 3 submitters: Likely benign (3). Last evaluated 2026-01-17.

Conditions:
Holoprosencephaly 9 (HPE9). Also called: PITUITARY ANOMALIES WITH HOLOPROSENCEPHALY-LIKE FEATURES; HOLOPROSENCEPHALY WITH MICROPHTHALMIA AND FIRST BRANCHIAL ARCH ANOMALIES. Identifiers: Orphanet 2162, MedGen C1835819, MONDO:0012563, OMIM 610829.
Postaxial polydactyly-anterior pituitary anomalies-facial dysmorphism syndrome. Also called: Culler-Jones syndrome. Identifiers: Orphanet 420584, MedGen C4014479, MONDO:0014369, OMIM 615849.
GLI2-related disorder. Also called: GLI2-related disorders; GLI2-related condition.

Allele frequency attached by ClinVar (database versions not stated): ESP Exome Variant Server 0.00008; 1000 Genomes Project 30x 0.00016; ExAC 0.00016; gnomAD exomes 0.00018; 1000 Genomes Project 0.00020; gnomAD 0.00021 and 0.00023; TOPMed 0.00022.
gnomAD v4.1: 230 of 1,609,592 alleles (0.014%); highest among the groups gnomAD compares: Admixed American, 0.083%; no homozygotes.

Submissions (3):

Labcorp Genetics (formerly Invitae), Labcorp
Classification: Likely benign for Postaxial polydactyly-anterior pituitary anomalies-facial dysmorphism syndrome; Holoprosencephaly 9. Last evaluated: 2026-01-17. Review status: criteria provided, single submitter. Criteria: Invitae Variant Classification Sherloc (09022015). Collection method: clinical testing. Allele origin: germline.

PreventionGenetics, part of Exact Sciences
Classification: Likely benign for GLI2-related condition. Last evaluated: 2025-05-28. Review status: criteria provided, single submitter. Criteria: ACMG Guidelines, 2015. Collection method: clinical testing. Allele origin: germline.
Comment: This variant is classified as likely benign based on ACMG/AMP sequence variant interpretation guidelines (Richards et al. 2015 PMID: 25741868, with internal and published modifications).

Blueprint Genetics
Classification: Likely benign. Last evaluated: 2024-03-01. Review status: criteria provided, single submitter. Criteria: ACMG Guidelines, 2015. Collection method: clinical testing. Allele origin: germline.

NM_001374353.1(GLI2):c.243C>T (p.His81=)

Gene: GLI2 (GLI family zinc finger 2; plus strand). Cytogenetic location: 2q14.2.
Variant type: single nucleotide variant.
Coding change: c.243C>T on transcript NM_001374353.1 (MANE Select); coding-DNA position 243, C replaced by T.
Protein change: p.His81=; no amino-acid change (histidine 81 retained).
Molecular consequence: synonymous variant. On other transcripts: intron variant (1).
Genome position (GRCh38, 1-based): chr2:120,927,455, C>T. VCF-style: chr2-120927455-C-T. GRCh37 (hg19) VCF-style: chr2-121685031-C-T.
Other names: c.243C>T, p.His81= (NM_001371271.1, NM_005270.5); c.-121-23788C>T (NM_001374354.1).
Identifiers: ClinVar variation 703189 (VCV000703189.13), dbSNP rs147403076, ClinGen allele CA1851459.